The following is an entry in ClinVar:

ClinVar aggregate classification (germline): Likely benign (1 of 4 stars; one submission).

Allele frequency attached by ClinVar (database versions not stated): TOPMed 0.00001; 1000 Genomes Project 30x 0.00021.
gnomAD v4.1: 2 of 1,209,219 alleles (0.00017%); highest among the groups gnomAD compares: Non-Finnish European, 0.00022%; no homozygotes.

Submission:

CeGaT Center for Human Genetics Tuebingen
Classification: Likely benign. Last evaluated: 2023-04-01. Review status: criteria provided, single submitter. Criteria: CeGaT Center For Human Genetics Tuebingen Variant Classification Criteria Version 2. Collection method: clinical testing. Allele origin: germline. Affected: yes. Observed: 1 variant allele.
Comment: EIF2S3: BP4, BP7

NM_001415.4(EIF2S3):c.48G>C (p.Ser16=)

Genes: EIF2S3 (eukaryotic translation initiation factor 2 subunit gamma; plus strand), LOC130068055 (ATAC-STARR-seq lymphoblastoid active region 29496; plus strand). Cytogenetic location: Xp22.11.
Variant type: single nucleotide variant.
Coding change: c.48G>C on transcript NM_001415.4 (MANE Select); coding-DNA position 48, G replaced by C.
Protein change: p.Ser16=; no amino-acid change (serine 16 retained).
Molecular consequence: synonymous variant.
Genome position (GRCh38, 1-based): chrX:24,055,016, G>C. VCF-style: chrX-24055016-G-C. GRCh37 (hg19) VCF-style: chrX-24073133-G-C.
Identifiers: ClinVar variation 2660181 (VCV002660181.24), dbSNP rs747769349, ClinGen allele CA515450986.